The following is an entry in ClinVar:

ClinVar aggregate classification (germline): Uncertain significance. Review status: criteria provided, multiple submitters, no conflicts (2 of 4 stars). 3 submissions from 3 submitters: Uncertain significance (3). Last evaluated 2025-12-29.

Conditions:
Cardiovascular phenotype. Identifiers: MedGen CN230736.
Dilated cardiomyopathy 1JJ (CMD1JJ). Identifiers: Orphanet 154, MedGen C3808935, MONDO:0014095, OMIM 615235.

Allele frequency attached by ClinVar (database versions not stated): gnomAD 0.00001.
gnomAD v4.1: 4 of 1,612,398 alleles (0.00025%); highest among the groups gnomAD compares: African/African-American, 0.004%; no homozygotes.

Submissions (3):

Labcorp Genetics (formerly Invitae), Labcorp
Classification: Uncertain significance for Dilated cardiomyopathy 1JJ. Last evaluated: 2025-12-29. Review status: criteria provided, single submitter. Criteria: Invitae Variant Classification Sherloc (09022015). Collection method: clinical testing. Allele origin: germline.
Comment: This sequence change replaces alanine, which is neutral and non-polar, with valine, which is neutral and non-polar, at codon 20 of the LAMA4 protein (p.Ala20Val). This variant is not present in population databases (gnomAD no frequency). This variant has not been reported in the literature in individuals affected with LAMA4-related conditions. ClinVar contains an entry for this variant (Variation ID: 406141). An algorithm developed to predict the effect of missense changes on protein structure and function outputs the following: PolyPhen-2: "Benign". The valine amino acid residue is found in multiple mammalian species, which suggests that this missense change does not adversely affect protein function. In summary, the available evidence is currently insufficient to determine the role of this variant in disease. Therefore, it has been classified as a Variant of Uncertain Significance.

Ambry Genetics
Classification: Uncertain significance for Cardiovascular phenotype. Last evaluated: 2022-04-26. Review status: criteria provided, single submitter. Criteria: Ambry Variant Classification Scheme 2023. Collection method: clinical testing. Allele origin: germline.
Comment: The p.A20V variant (also known as c.59C>T), located in coding exon 1 of the LAMA4 gene, results from a C to T substitution at nucleotide position 59. The alanine at codon 20 is replaced by valine, an amino acid with similar properties. This amino acid position is not well conserved in available vertebrate species. In addition, this alteration is predicted to be tolerated by in silico analysis. The evidence for this gene-disease relationship is limited; therefore, the clinical significance of this alteration is unclear.

Stanford Center for Inherited Cardiovascular Disease, Stanford University
Classification: Uncertain significance. Last evaluated: 2016-06-06. Review status: criteria provided, single submitter. Criteria: ACMG Guidelines, 2015. Collection method: provider interpretation. Allele origin: germline.

NM_001105206.3(LAMA4):c.59C>T (p.Ala20Val)

Genes: LAMA4 (laminin subunit alpha 4; minus strand), LAMA4-AS1 (LAMA4 antisense RNA 1; plus strand). Cytogenetic location: 6q21.
Variant type: single nucleotide variant.
Coding change: c.59C>T on transcript NM_001105206.3 (MANE Select); coding-DNA position 59, C replaced by T.
Protein change: p.Ala20Val; replaces alanine 20 with valine.
Molecular consequence: missense variant.
Genome position (GRCh38, 1-based): chr6:112,254,092, G>A on the plus strand (C>T on the coding strand, the complement: LAMA4 is on the minus strand). VCF-style: chr6-112254092-G-A. GRCh37 (hg19) VCF-style: chr6-112575294-G-A.
Other names: c.59C>T, p.Ala20Val (NM_001105207.3, NM_001105208.3, NM_001105209.3 and 1 more transcripts); short protein forms A20V.
Identifiers: ClinVar variation 406141 (VCV000406141.11), dbSNP rs1060500981, ClinGen allele CA16611877.